The following is an entry in ClinVar:

ClinVar aggregate classification (germline): Uncertain significance. Review status: criteria provided, multiple submitters, no conflicts (2 of 4 stars). 2 submissions from 2 submitters: Uncertain significance (2). Last evaluated 2025-07-15.

Conditions:
Inborn genetic diseases. Identifiers: MedGen C0950123, MeSH D030342.
Baller-Gerold syndrome (BGS). Also called: CRANIOSYNOSTOSIS WITH RADIAL DEFECTS. Identifiers: Orphanet 1225, MedGen C0265308, MONDO:0009039, OMIM 218600.

Allele frequency attached by ClinVar (database versions not stated): gnomAD 0.00001.
gnomAD v4.1: 1 of 1,610,390 alleles (0.000062%); highest among the groups gnomAD compares: African/African-American, 0.0013%; no homozygotes.

Submissions (2):

Ambry Genetics
Classification: Uncertain significance for Inborn genetic diseases. Last evaluated: 2025-07-15. Review status: criteria provided, single submitter. Criteria: Ambry Variant Classification Scheme 2023. Collection method: clinical testing. Allele origin: germline.
Comment: The p.P165S variant (also known as c.493C>T), located in coding exon 5 of the RECQL4 gene, results from a C to T substitution at nucleotide position 493. The proline at codon 165 is replaced by serine, an amino acid with similar properties. This amino acid position is conserved. In addition, this alteration is predicted to be tolerated by in silico analysis. Based on the available evidence, the clinical significance of this variant remains unclear.

Labcorp Genetics (formerly Invitae), Labcorp
Classification: Uncertain significance for Baller-Gerold syndrome. Last evaluated: 2024-04-16. Review status: criteria provided, single submitter. Criteria: Invitae Variant Classification Sherloc (09022015). Collection method: clinical testing. Allele origin: germline.
Comment: This sequence change replaces proline, which is neutral and non-polar, with serine, which is neutral and polar, at codon 165 of the RECQL4 protein (p.Pro165Ser). This variant is not present in population databases (gnomAD no frequency). This variant has not been reported in the literature in individuals affected with RECQL4-related conditions. ClinVar contains an entry for this variant (Variation ID: 665702). Experimental studies and prediction algorithms are not available or were not evaluated, and the functional significance of this variant is currently unknown. In summary, the available evidence is currently insufficient to determine the role of this variant in disease. Therefore, it has been classified as a Variant of Uncertain Significance.

NM_004260.4(RECQL4):c.493C>T (p.Pro165Ser)

Gene: RECQL4 (RecQ like helicase 4; minus strand). Cytogenetic location: 8q24.3.
Variant type: single nucleotide variant.
Coding change: c.493C>T on transcript NM_004260.4 (MANE Select); coding-DNA position 493, C replaced by T.
Protein change: p.Pro165Ser; replaces proline 165 with serine.
Molecular consequence: missense variant.
Genome position (GRCh38, 1-based): chr8:144,516,626, G>A on the plus strand (C>T on the coding strand, the complement: RECQL4 is on the minus strand). VCF-style: chr8-144516626-G-A. GRCh37 (hg19) VCF-style: chr8-145742010-G-A.
Other names: short protein forms P165S.
Identifiers: ClinVar variation 665702 (VCV000665702.6), dbSNP rs766897765, ClinGen allele CA372691263.
Genomic context (GRCh38, chr8:144,516,626, plus strand): 5'-AGCCCAGCCGCTGGCTCAGGGATGCCTGCAGATGCTGGAGCCGGCCTGGCCTTGGCTGGG[G>A]CTCAGGGAGCTGTGGAGGCTCATCACTGACTTTTTCTGCAAAGGAGGGGACAGGCCCTGT-3'
Protein context (NP_004251.4, residues 155-175): VSDEPPQLPE[Pro165Ser]QPRPGRLQHL